The following is an entry in ClinVar:

NM_006949.4(STXBP2):c.248C>T (p.Ser83Leu)

Gene: STXBP2 (syntaxin binding protein 2; plus strand). Cytogenetic location: 19p13.2.
Variant type: single nucleotide variant.
Coding change: c.248C>T on transcript NM_006949.4 (MANE Select); coding-DNA position 248, C replaced by T.
Protein change: p.Ser83Leu; replaces serine 83 with leucine.
Molecular consequence: missense variant. On other transcripts: non-coding transcript variant (1), intron variant (1).
Genome position (GRCh38, 1-based): chr19:7,640,732, C>T. VCF-style: chr19-7640732-C-T. GRCh37 (hg19) VCF-style: chr19-7705618-C-T.
Other names: c.281C>T, p.Ser94Leu (NM_001272034.2); c.247-8C>T (NM_001127396.3); short protein forms S83L, S94L.
Identifiers: ClinVar variation 1515507 (VCV001515507.5), dbSNP rs768490233, ClinGen allele CA9143553.

ClinVar aggregate classification (germline): Uncertain significance (1 of 4 stars; one submission).

Conditions:
Familial hemophagocytic lymphohistiocytosis 5. Also called: STXBP2-Related Familial Hemophagocytic Lymphohistiocytosis (STXBP2-fHLH). Identifiers: Orphanet 540, MedGen C2751293, MONDO:0013135, OMIM 613101.

Allele frequency attached by ClinVar (database versions not stated): gnomAD exomes below 0.00001 and 0.00001; ExAC 0.00001.
gnomAD v4.1: 11 of 1,614,168 alleles (0.00068%); highest among the groups gnomAD compares: South Asian, 0.0077%; 1 homozygote.

Submission:

Labcorp Genetics (formerly Invitae), Labcorp
Classification: Uncertain significance for Familial hemophagocytic lymphohistiocytosis 5. Last evaluated: 2021-09-24. Review status: criteria provided, single submitter. Criteria: Invitae Variant Classification Sherloc (09022015). Collection method: clinical testing. Allele origin: germline.
Comment: This sequence change replaces serine with leucine at codon 83 of the STXBP2 protein (p.Ser83Leu). The serine residue is highly conserved and there is a large physicochemical difference between serine and leucine. This variant is present in population databases (rs768490233, ExAC 0.009%). This variant has not been reported in the literature in individuals with STXBP2-related conditions. Algorithms developed to predict the effect of missense changes on protein structure and function are either unavailable or do not agree on the potential impact of this missense change (SIFT: "Deleterious"; PolyPhen-2: "Probably Damaging"; Align-GVGD: "Class C0"). In summary, the available evidence is currently insufficient to determine the role of this variant in disease. Therefore, it has been classified as a Variant of Uncertain Significance.